The following is an entry in ClinVar:

ClinVar aggregate classification (germline): Uncertain significance (1 of 4 stars; one submission).

Conditions:
FDXR-related optic atrophy mitochondrial dysfunction syndrome. Identifiers: MedGen CN379475, MONDO:1060116.

Submission:

Victorian Clinical Genetics Services, Murdoch Childrens Research Institute
Classification: Uncertain significance for FDXR-related optic atrophy mitochondrial dysfunction syndrome. Last evaluated: 2026-04-24. Review status: criteria provided, single submitter. Criteria: ACMG Guidelines, 2015. Collection method: clinical testing. Allele origin: germline. Affected: yes.
Comment: This variant is classified as VUS-3A. Evidence in support of pathogenic classification: Variant is absent from gnomAD (v2, v3 and v4); Strong phenotype match for this individual. Evidence in support of benign classification: Missense variant predicted to be tolerated by in silico tool(s) or not conserved in placental mammals with a minor amino acid change. In addition, aberrant splicing was not predicted. Additional information: Variant is predicted to result in a missense amino acid change from Glu to Lys. This variant also affects a non-canonical splice site; however, there is no proven consequence on splicing (no functional evidence available). - This variant is heterozygous; This gene is associated with autosomal recessive disease; This variant has no previous evidence of pathogenicity; No published evidence of segregation with disease has been identified for this variant; No published functional evidence has been identified for this variant; No comparable missense variants have previous evidence for pathogenicity; Variant is located in the annotated ferredoxin-NADP+ reductase domain (NCBI); Loss of function is a known mechanism of disease in this gene and is associated with FDXR-related optic atrophy mitochondrial dysfunction syndrome (MONDO:1060116); Inheritance information for this variant is not currently available in this individual.

NM_024417.5(FDXR):c.802G>A (p.Glu268Lys)

Gene: FDXR (ferredoxin reductase; minus strand). Cytogenetic location: 17q25.1.
Variant type: single nucleotide variant.
Coding change: c.802G>A on transcript NM_024417.5 (MANE Select); coding-DNA position 802, G replaced by A.
Protein change: p.Glu268Lys; replaces glutamic acid 268 with lysine.
Molecular consequence: missense variant. On other transcripts: non-coding transcript variant (1).
Genome position (GRCh38, 1-based): chr17:74,864,480, C>T on the plus strand (G>A on the coding strand, the complement: FDXR is on the minus strand). VCF-style: chr17-74864480-C-T. GRCh37 (hg19) VCF-style: chr17-72860602-C-T.
Other names: c.931G>A, p.Glu311Lys (NM_001258012.4); c.895G>A, p.Glu299Lys (NM_001258013.4); c.778G>A, p.Glu260Lys (NM_001258014.4); c.682G>A, p.Glu228Lys (NM_001258015.3); c.646G>A, p.Glu216Lys (NM_001258016.3); c.820G>A, p.Glu274Lys (NM_004110.6); short protein forms E216K, E228K, E260K, E268K, E274K, E299K, E311K.
Identifiers: ClinVar variation 4879653 (VCV004879653.1).